The following is an entry in ClinVar:

NM_001365276.2(TNXB):c.5752A>G (p.Arg1918Gly)

Gene: TNXB (tenascin XB; minus strand). Cytogenetic location: 6p21.33.
Variant type: single nucleotide variant.
Coding change: c.5752A>G on transcript NM_001365276.2 (MANE Select); coding-DNA position 5752, A replaced by G.
Protein change: p.Arg1918Gly; replaces arginine 1918 with glycine.
Molecular consequence: missense variant.
Genome position (GRCh38, 1-based): chr6:32,068,972, T>C on the plus strand (A>G on the coding strand, the complement: TNXB is on the minus strand). VCF-style: chr6-32068972-T-C. GRCh37 (hg19) VCF-style: chr6-32036749-T-C.
Other names: c.5752A>G, p.Arg1918Gly (NM_019105.8); short protein forms R1918G.
Identifiers: ClinVar variation 1803688 (VCV001803688.5), dbSNP rs373151913, ClinGen allele CA3734614.

ClinVar aggregate classification (germline): Uncertain significance. Review status: criteria provided, multiple submitters, no conflicts (2 of 4 stars). 2 submissions from 2 submitters: Uncertain significance (2). Last evaluated 2025-04-25.

Conditions:
Cardiovascular phenotype. Identifiers: MedGen CN230736.

Allele frequency attached by ClinVar (database versions not stated): TOPMed 0.00003; ExAC 0.00001; gnomAD 0.00001; gnomAD exomes below 0.00001; ESP Exome Variant Server 0.00013.
gnomAD v4.1: 8 of 1,612,778 alleles (0.0005%); highest among the groups gnomAD compares: Middle Eastern, 0.016%; no homozygotes.

Submissions (2):

Ambry Genetics
Classification: Uncertain significance for Cardiovascular phenotype. Last evaluated: 2025-04-25. Review status: criteria provided, single submitter. Criteria: Ambry Variant Classification Scheme 2023. Collection method: clinical testing. Allele origin: germline.

GeneDx
Classification: Uncertain significance. Last evaluated: 2022-06-08. Review status: criteria provided, single submitter. Criteria: GeneDx Variant Classification Process June 2021. Collection method: clinical testing. Allele origin: germline. Affected: yes.
Comment: Not observed at significant frequency in large population cohorts (gnomAD); In silico analysis supports that this missense variant has a deleterious effect on protein structure/function; Has not been previously published as pathogenic or benign to our knowledge